The following is an entry in ClinVar:

ClinVar aggregate classification (germline): Likely pathogenic. Review status: criteria provided, multiple submitters, no conflicts (2 of 4 stars). 2 submissions from 2 submitters: Likely pathogenic (2). Last evaluated 2022-11-23.

Conditions:
Miyoshi muscular dystrophy 1 (MMD1). Identifiers: Orphanet 45448, MedGen C4551973, MONDO:0024545, OMIM 254130.
Neuromuscular disease caused by qualitative or quantitative defects of dysferlin. Also called: Dysferlinopathy; Qualitative or quantitative defects of dysferlin. Identifiers: Orphanet 207073, MedGen C2931687, MONDO:0016145.

Submissions (2):

Baylor Genetics
Classification: Likely pathogenic for Miyoshi muscular dystrophy 1. Last evaluated: 2022-11-23. Review status: criteria provided, single submitter. Criteria: ACMG Guidelines, 2015. Collection method: clinical testing. Allele origin: unknown.

Labcorp Genetics (formerly Invitae), Labcorp
Classification: Likely pathogenic for Neuromuscular disease caused by qualitative or quantitative defects of dysferlin. Last evaluated: 2021-05-21. Review status: criteria provided, single submitter. Criteria: Invitae Variant Classification Sherloc (09022015). Collection method: clinical testing. Allele origin: germline.
Comment: Donor and acceptor splice site variants typically lead to a loss of protein function (PMID: 16199547), and loss-of-function variants in DYSF are known to be pathogenic (PMID: 17698709, 20301480). This variant has not been reported in the literature in individuals with DYSF-related conditions. This variant is not present in population databases (ExAC no frequency). This sequence change affects a donor splice site in intron 36 of the DYSF gene. It is expected to disrupt RNA splicing and likely results in an absent or disrupted protein product. In summary, the currently available evidence indicates that the variant is pathogenic, but additional data are needed to prove that conclusively. Therefore, this variant has been classified as Likely Pathogenic.

Literature cited by the submitters: PubMed 16199547 (cited by Labcorp Genetics (formerly Invitae), Labcorp); PubMed 17698709 (cited by Labcorp Genetics (formerly Invitae), Labcorp); PubMed 20301480 (cited by Labcorp Genetics (formerly Invitae), Labcorp).

NM_001130987.2(DYSF):c.3957+2T>G

Genes: DYSF (dysferlin; plus strand), LOC122787137 (CDK7 strongly-dependent group 2 enhancer GRCh37_chr2:71829831-71831030; plus strand). Cytogenetic location: 2p13.2.
Variant type: single nucleotide variant.
Coding change: c.3957+2T>G on transcript NM_001130987.2 (MANE Select); the canonical splice donor site of the intron after coding-DNA position 3957, T replaced by G.
Molecular consequence: splice donor variant.
Genome position (GRCh38, 1-based): chr2:71,602,807, T>G. VCF-style: chr2-71602807-T-G. GRCh37 (hg19) VCF-style: chr2-71829937-T-G.
Other names: c.3996+2T>G (NM_001130979.2); c.3954+2T>G (NM_001130981.2, NM_001130980.2); c.3903+2T>G (NM_001130978.2, NM_003494.4); c.3861+2T>G (NM_001130977.2, NM_001130976.2); c.3999+2T>G (NM_001130982.2); c.3957+2T>G (NM_001130985.2); c.3906+2T>G (NM_001130983.2, NM_001130455.2); c.3864+2T>G (NM_001130984.2, NM_001130986.2).
Identifiers: ClinVar variation 971009 (VCV000971009.9), dbSNP rs1553377764, ClinGen allele CA347226682.
Genomic context (GRCh38, chr2:71,602,807, plus strand): 5'-ATGTGCCACATCCCATGGCTGTGGGCCAGGTGCAGGAGACATCAAGGATCCTGGATGAGG[T>G]GAGCTGGGCGTGGTGGTTGGGATGGGTGGGCCGAGGTAGAGGGAAGGTGAAGCCAGCCTT-3'